The following is an entry in ClinVar:

NM_015450.3(POT1):c.702+10A>G

Gene: POT1 (protection of telomeres 1; minus strand). Cytogenetic location: 7q31.33.
Variant type: single nucleotide variant.
Coding change: c.702+10A>G on transcript NM_015450.3 (MANE Select); 10 bases into the intron after coding-DNA position 702, A replaced by G.
Molecular consequence: intron variant.
Genome position (GRCh38, 1-based): chr7:124,858,947, T>C on the plus strand (A>G on the coding strand, the complement: POT1 is on the minus strand). VCF-style: chr7-124858947-T-C. GRCh37 (hg19) VCF-style: chr7-124499001-T-C.
Other names: c.309+10A>G (NM_001042594.2).
Identifiers: ClinVar variation 2828301 (VCV002828301.4), dbSNP rs2485462569, ClinGen allele CA369055921.

ClinVar aggregate classification (germline): Uncertain significance (1 of 4 stars; one submission).

Conditions:
Tumor predisposition syndrome 3 (TPDS3). Also called: Melanoma, cutaneous malignant, susceptibility to, 10; LONG TELOMERE SYNDROME, POT1-RELATED; POT1 Tumor Predisposition; Glioma susceptibility 9. Identifiers: Orphanet 618, MedGen C4014476, MONDO:0014368, OMIM 615848.

Submissions (2):

Labcorp Genetics (formerly Invitae), Labcorp
Classification: Uncertain significance for Tumor predisposition syndrome 3. Last evaluated: 2025-01-08. Review status: criteria provided, single submitter. Criteria: Invitae Variant Classification Sherloc (09022015). Collection method: clinical testing. Allele origin: germline.
Comment: This sequence change falls in intron 9 of the POT1 gene. It does not directly change the encoded amino acid sequence of the POT1 protein. This variant is not present in population databases (gnomAD no frequency). This variant has not been reported in the literature in individuals affected with POT1-related conditions. ClinVar contains an entry for this variant (Variation ID: 2828301). Studies have shown that this variant is associated with inconclusive levels of altered splicing (internal data). In summary, the available evidence is currently insufficient to determine the role of this variant in disease. Therefore, it has been classified as a Variant of Uncertain Significance.

Dr. Peter K. Rogan Lab, Western University
No classification provided (evidence only). Condition: Pancreatic adenocarcinoma. Review status: no classification provided. Collection method: in vitro. Allele origin: not applicable. Functional consequence: retained intron. Not counted in ClinVar's aggregate classification.